The following is an entry in ClinVar:

NM_205768.3(ZBTB18):c.1403T>C (p.Val468Ala)

Gene: ZBTB18 (zinc finger and BTB domain containing 18; plus strand). Cytogenetic location: 1q44.
Variant type: single nucleotide variant.
Coding change: c.1403T>C on transcript NM_205768.3 (MANE Select); coding-DNA position 1403, T replaced by C.
Protein change: p.Val468Ala; replaces valine 468 with alanine.
Molecular consequence: missense variant.
Genome position (GRCh38, 1-based): chr1:244,055,177, T>C. VCF-style: chr1-244055177-T-C. GRCh37 (hg19) VCF-style: chr1-244218479-T-C.
Other names: c.1376T>C, p.Val459Ala (NM_001278196.2, NM_006352.5); short protein forms V459A, V468A.
Identifiers: ClinVar variation 1699393 (VCV001699393.3), dbSNP rs2148557671, ClinGen allele CA345675050.

ClinVar aggregate classification (germline): Likely pathogenic (1 of 4 stars; one submission).

Conditions:
Intellectual developmental disorder, autosomal dominant 22. Also called: Intellectual disability, autosomal dominant 22. Identifiers: MedGen CN029689, MONDO:0012869, OMIM 612337.

Submission:

Victorian Clinical Genetics Services, Murdoch Childrens Research Institute
Classification: Likely pathogenic for Intellectual developmental disorder, autosomal dominant 22. Last evaluated: 2022-02-02. Review status: criteria provided, single submitter. Criteria: ACMG Guidelines, 2015. Collection method: clinical testing. Allele origin: germline. Inheritance: Autosomal dominant inheritance. Affected: yes.
Comment: Based on the classification scheme VCGS_Germline_v1.3.4, this variant is classified as Likely pathogenic. Following criteria are met: 0102 - Loss of function is a known mechanism of disease in this gene and is associated with Intellectual disability, autosomal dominant 22 (MIM#612337). However, dominant negative is also a likely mechanism (I) 0107 - This gene is associated with autosomal dominant disease. (I) 0200 - Variant is predicted to result in a missense amino acid change from valine to alanine. (I) 0251 - This variant is heterozygous. (I) 0301 - Variant is absent from gnomAD (both v2 and v3). (SP) 0502 - Missense variant with conflicting in silico predictions and uninformative conservation. (I) 0602 - Variant is located in a hotspot region or cluster of pathogenic variants (DECIPHER). (SP) 0705 - No comparable missense variants have previous evidence for pathogenicity. (I) 0807 - This variant has no previous evidence of pathogenicity. (I) 0905 - No published segregation evidence has been identified for this variant. (I) 1007 - No published functional evidence has been identified for this variant. (SP)